The following is an entry in ClinVar:

NM_001754.5(RUNX1):c.1083del (p.Ser362fs)

Gene: RUNX1 (RUNX family transcription factor 1; minus strand). Cytogenetic location: 21q22.12.
Variant type: Deletion.
Coding change: c.1083del on transcript NM_001754.5 (MANE Select); coding-DNA position 1083, one base deleted (C; older notation c.1083delC).
Protein change: p.Ser362fs; shifts the reading frame from serine 362.
Molecular consequence: frameshift variant.
Genome position (GRCh38, 1-based): chr21:34,792,495, G deleted on the plus strand (C on the coding strand, the reverse complement: RUNX1 is on the minus strand); the first of 2 consecutive G bases (chr21:34,792,495-34,792,496); deleting either gives the same sequence. VCF-style (leftmost placement, unchanged base first): chr21-34792494-AG-A. GRCh37 (hg19) VCF-style: chr21-36164791-AG-A.
Other names: c.1002del, p.Ser335fs (NM_001001890.3); short protein forms S335fs, S362fs.
Identifiers: ClinVar variation 4720858 (VCV004720858.1).

ClinVar aggregate classification (germline): Pathogenic (1 of 4 stars; one submission).

Conditions:
Hereditary thrombocytopenia and hematological cancer predisposition syndrome associated with RUNX1. Also called: Familial Platelet Disorder with Propensity to Acute Myelogenous Leukemia; Familial thrombocytopenia with propensity to acute myelogenous leukemia; PLATELET DISORDER, ASPIRIN-LIKE; RUNX1 Familial Platelet Disorder with Associated Myeloid Malignancies. Identifiers: Orphanet 71290, MedGen C1832388, MeSH C563324, MONDO:0100083, OMIM 601399.

Submission:

Labcorp Genetics (formerly Invitae), Labcorp
Classification: Pathogenic for Hereditary thrombocytopenia and hematological cancer predisposition syndrome associated with RUNX1. Last evaluated: 2025-06-18. Review status: criteria provided, single submitter. Criteria: Invitae Variant Classification Sherloc (09022015). Collection method: clinical testing. Allele origin: germline.
Comment: This sequence change is expected to alter the c-terminus of the RUNX1 protein (p.Ser362Argfs*232). While this is not anticipated to result in nonsense mediated decay, it is expected to disrupt the last 119 amino acid(s) of the RUNX1 protein and extend the protein by 112 additional amino acid residues. This variant is not present in population databases (gnomAD no frequency). This variant has not been reported in the literature in individuals affected with RUNX1-related conditions. This variant disrupts a region of the RUNX1 protein in which other variant(s) (p.Tyr414*) have been determined to be pathogenic (PMID: 30600763). This suggests that this is a clinically significant region of the protein, and that variants that disrupt it are likely to be disease-causing. For these reasons, this variant has been classified as Pathogenic.

Literature cited by the submitters: PubMed 30600763.